The following is an entry in ClinVar:

NM_006766.5(KAT6A):c.1340C>G (p.Ser447Ter)

Gene: KAT6A (lysine acetyltransferase 6A; minus strand). Cytogenetic location: 8p11.21.
Variant type: single nucleotide variant.
Coding change: c.1340C>G on transcript NM_006766.5 (MANE Select); coding-DNA position 1340, C replaced by G.
Protein change: p.Ser447Ter; replaces serine 447 with a stop codon.
Molecular consequence: nonsense.
Genome position (GRCh38, 1-based): chr8:41,977,031, G>C on the plus strand (C>G on the coding strand, the complement: KAT6A is on the minus strand). VCF-style: chr8-41977031-G-C. GRCh37 (hg19) VCF-style: chr8-41834549-G-C.
Other names: c.1340C>G, p.Ser447Ter (NM_001305878.2); short protein forms S447*.
Identifiers: ClinVar variation 4089792 (VCV004089792.1).

ClinVar aggregate classification (germline): Pathogenic (1 of 4 stars; one submission).

Conditions:
Inborn genetic diseases. Identifiers: MedGen C0950123, MeSH D030342.

Submission:

Ambry Genetics
Classification: Pathogenic for Inborn genetic diseases. Last evaluated: 2025-08-29. Review status: criteria provided, single submitter. Criteria: Ambry Variant Classification Scheme 2023. Collection method: clinical testing. Allele origin: germline.
Comment: The c.1340C>G (p.S447*) alteration, located in exon 7 (coding exon 6) of the KAT6A gene, consists of a C to G substitution at nucleotide position 1340. This changes the amino acid from a serine (S) to a stop codon at amino acid position 447. This alteration is expected to result in loss of function by premature protein truncation or nonsense-mediated mRNA decay. This variant was not reported in population-based cohorts in the Genome Aggregation Database (gnomAD). Based on the available evidence, this alteration is classified as pathogenic.